The following is an entry in ClinVar:

NM_000465.4(BARD1):c.1398T>A (p.His466Gln)

Gene: BARD1 (BRCA1 associated RING domain 1; minus strand). Cytogenetic location: 2q35.
Variant type: single nucleotide variant.
Coding change: c.1398T>A on transcript NM_000465.4 (MANE Select); coding-DNA position 1398, T replaced by A.
Protein change: p.His466Gln; replaces histidine 466 with glutamine.
Molecular consequence: missense variant. On other transcripts: non-coding transcript variant (3), intron variant (3).
Genome position (GRCh38, 1-based): chr2:214,767,652, A>T on the plus strand (T>A on the coding strand, the complement: BARD1 is on the minus strand). VCF-style: chr2-214767652-A-T. GRCh37 (hg19) VCF-style: chr2-215632376-A-T.
Other names: c.1341T>A, p.His447Gln (NM_001282543.2); c.159-15097T>A (NM_001282548.2); c.216-15097T>A (NM_001282545.2); c.364+24645T>A (NM_001282549.2); short protein forms H466Q, H447Q.
Identifiers: ClinVar variation 5032812 (VCV005032812.1).
Genomic context (GRCh38, chr2:214,767,652, plus strand): 5'-CAATGCCTTATGCTGGAGCAATAATTCCACTACCTTCAGGTGCCCATGATTGCAAGCTTC[A>T]TGCTAATTAAATTTTTTGAAAAAGAAGTGAAAGAAGTGATAAGAAAGAGCAATGGATGAT-3'
Protein context (NP_000456.2, residues 456-476): VKDHAGWTPL[His466Gln]EACNHGHLKV

ClinVar aggregate classification (germline): Uncertain significance (1 of 4 stars; one submission).

Conditions:
Hereditary cancer-predisposing syndrome. Also called: Neoplastic Syndromes, Hereditary; Tumor predisposition; Hereditary neoplastic syndrome; Hereditary Cancer Syndrome. Identifiers: Orphanet 140162, MedGen C0027672, MeSH D009386, MONDO:0015356.

gnomAD v4.1: 1 of 1,613,912 alleles (0.000062%); no homozygotes.

Submission:

Ambry Genetics
Classification: Uncertain significance for Hereditary cancer-predisposing syndrome. Last evaluated: 2026-08-16. Review status: criteria provided, single submitter. Criteria: Ambry Variant Classification Scheme 2023. Collection method: clinical testing. Allele origin: germline.
Comment: The p.H466Q variant (also known as c.1398T>A), located in coding exon 6 of the BARD1 gene, results from a T to A substitution at nucleotide position 1398. The histidine at codon 466 is replaced by glutamine, an amino acid with highly similar properties. This amino acid position is conserved. In addition, this alteration is predicted to be deleterious by in silico analysis. Based on the available evidence, the clinical significance of this variant remains unclear.